The following is an entry in ClinVar:

NM_001267550.2(TTN):c.107126G>T (p.Arg35709Ile)

Genes: TTN (titin; minus strand), TTN-AS1 (TTN antisense RNA 1; plus strand). Cytogenetic location: 2q31.2.
Variant type: single nucleotide variant.
Coding change: c.107126G>T on transcript NM_001267550.2 (MANE Select); coding-DNA position 107126, G replaced by T.
Protein change: p.Arg35709Ile; replaces arginine 35709 with isoleucine.
Molecular consequence: missense variant.
Genome position (GRCh38, 1-based): chr2:178,528,625, C>A on the plus strand (G>T on the coding strand, the complement: TTN is on the minus strand). VCF-style: chr2-178528625-C-A. GRCh37 (hg19) VCF-style: chr2-179393352-C-A.
Other names: c.102203G>T, p.Arg34068Ile (NM_001256850.1); c.79931G>T, p.Arg26644Ile (NM_003319.4); c.99422G>T, p.Arg33141Ile (NM_133378.4); c.80306G>T, p.Arg26769Ile (NM_133432.3); c.80507G>T, p.Arg26836Ile (NM_133437.4); short protein forms R26836I, R35709I, R26769I, R33141I, R34068I, R26644I.
Identifiers: ClinVar variation 2134474 (VCV002134474.4), dbSNP rs2468295144, ClinGen allele CA349401845.
Genomic context (GRCh38, chr2:178,528,625, plus strand): 5'-GGCTCGCCACTGATTTCACAAGTAAAGAGAACATTTTGTCCTTCATTAATATTTTGAGAT[C>A]TAGGCTGTGAGATGAAGGCTGGAGCATCTGAGAGTTCTTTGCTCAGTGTCAAATCATACT-3'
Protein context (NP_001254479.2, residues 35699-35719): SDAPAFISQP[Arg35709Ile]SQNINEGQNV

ClinVar aggregate classification (germline): Uncertain significance (1 of 4 stars; one submission).

Conditions:
Dilated cardiomyopathy 1G (CMD1G). Identifiers: Orphanet 154, MedGen C1858763, MONDO:0011400, OMIM 604145.
Autosomal recessive limb-girdle muscular dystrophy type 2J (LGMDR10). Also called: MUSCULAR DYSTROPHY, LIMB-GIRDLE, AUTOSOMAL RECESSIVE 10; Limb-girdle muscular dystrophy, type 2J. Identifiers: Orphanet 140922, MedGen C1837342, MONDO:0012127, OMIM 608807.

Submission:

Labcorp Genetics (formerly Invitae), Labcorp
Classification: Uncertain significance for Dilated cardiomyopathy 1G; Autosomal recessive limb-girdle muscular dystrophy type 2J. Last evaluated: 2022-05-05. Review status: criteria provided, single submitter. Criteria: Invitae Variant Classification Sherloc (09022015). Collection method: clinical testing. Allele origin: germline.
Comment: Experimental studies and prediction algorithms are not available or were not evaluated, and the functional significance of this variant is currently unknown. This variant has not been reported in the literature in individuals affected with TTN-related conditions. This variant is not present in population databases (gnomAD no frequency). This sequence change replaces arginine, which is basic and polar, with isoleucine, which is neutral and non-polar, at codon 35709 of the TTN protein (p.Arg35709Ile). In summary, the available evidence is currently insufficient to determine the role of this variant in disease. Therefore, it has been classified as a Variant of Uncertain Significance. This variant is located in the M band of TTN (PMID: 25589632). Variants in this region may be relevant for neuromuscular disorders, but have not been definitively shown to cause cardiomyopathy (PMID: 23975875).

Literature cited by the submitters: PubMed 25589632; PubMed 23975875.